The following is an entry in ClinVar:

ClinVar aggregate classification (germline): Uncertain significance (1 of 4 stars; one submission).

Conditions:
Psoriasis 2. Identifiers: MedGen C1864497, MONDO:0011269, OMIM 602723.
Pityriasis rubra pilaris (PRP). Also called: Pityriasis rubra pilaris--familial type. Identifiers: Orphanet 2897, MedGen C0032027, MONDO:0100017, OMIM 173200, MONDO:0008251.

Submission:

Labcorp Genetics (formerly Invitae), Labcorp
Classification: Uncertain significance for Pityriasis rubra pilaris; Psoriasis 2. Last evaluated: 2025-12-21. Review status: criteria provided, single submitter. Criteria: Invitae Variant Classification Sherloc (09022015). Collection method: clinical testing. Allele origin: germline.
Comment: This sequence change replaces serine, which is neutral and polar, with proline, which is neutral and non-polar, at codon 926 of the CARD14 protein (p.Ser926Pro). This variant is not present in population databases (gnomAD no frequency). This variant has not been reported in the literature in individuals affected with CARD14-related conditions. Invitae Evidence Modeling of protein sequence and biophysical properties (such as structural, functional, and spatial information, amino acid conservation, physicochemical variation, residue mobility, and thermodynamic stability) indicates that this missense variant is not expected to disrupt CARD14 protein function with a negative predictive value of 95%. In summary, the available evidence is currently insufficient to determine the role of this variant in disease. Therefore, it has been classified as a Variant of Uncertain Significance.

NM_001366385.1(CARD14):c.2776T>C (p.Ser926Pro)

Genes: CARD14 (caspase recruitment domain family member 14; plus strand), SGSH (N-sulfoglucosamine sulfohydrolase; minus strand). Cytogenetic location: 17q25.3.
Variant type: single nucleotide variant.
Coding change: c.2776T>C on transcript NM_001366385.1 (MANE Select); coding-DNA position 2776, T replaced by C.
Protein change: p.Ser926Pro; replaces serine 926 with proline.
Molecular consequence: missense variant. On other transcripts: non-coding transcript variant (1).
Genome position (GRCh38, 1-based): chr17:80,207,054, T>C. VCF-style: chr17-80207054-T-C. GRCh37 (hg19) VCF-style: chr17-78180853-T-C.
Other names: c.2776T>C, p.Ser926Pro (NM_024110.4); short protein forms S926P.
Identifiers: ClinVar variation 4793052 (VCV004793052.1).